The following is an entry in ClinVar:

NM_001927.4(DES):c.46C>T (p.Arg16Cys)

Gene: DES (desmin; plus strand). Cytogenetic location: 2q35.
Variant type: single nucleotide variant.
Coding change: c.46C>T on transcript NM_001927.4 (MANE Select); coding-DNA position 46, C replaced by T.
Protein change: p.Arg16Cys; replaces arginine 16 with cysteine.
Molecular consequence: missense variant.
Genome position (GRCh38, 1-based): chr2:219,418,508, C>T. VCF-style: chr2-219418508-C-T. GRCh37 (hg19) VCF-style: chr2-220283230-C-T.
Other names: c.46C>T (LRG_380t1); short protein forms R16C.
Identifiers: ClinVar variation 66413 (VCV000066413.5), dbSNP rs60798368, ClinGen allele CA217072.

ClinVar aggregate classification (germline): Conflicting classifications of pathogenicity. Review status: criteria provided, conflicting classifications (1 of 4 stars). 4 submissions from 4 submitters: Likely pathogenic (1); Uncertain significance (1). 2 of the submissions do not count toward it. Last evaluated 2025-08-30.

Conditions:
Desmin-related myofibrillar myopathy (MFM1). Also called: Desminopathy; Desmin related myopathy (former name); Desmin storage myopathy (former name); MYOFIBRILLAR MYOPATHY WITH ARRHYTHMOGENIC RIGHT VENTRICULAR CARDIOMYOPATHY; DESMIN-RELATED MYOPATHY WITH ARRHYTHMOGENIC RIGHT VENTRICULAR CARDIOMYOPATHY; Myofibrillar myopathy 1. Identifiers: Orphanet 363543, Orphanet 98909, MedGen C1832370, MONDO:0011076, OMIM 601419.
Myofibrillar myopathy. Identifiers: Orphanet 593, MedGen C2678065, MONDO:0018943, HP:0003715.

Allele frequency attached by ClinVar (database versions not stated): gnomAD exomes below 0.00001; TOPMed below 0.00001; gnomAD 0.00001.
gnomAD v4.1: 2 of 1,603,396 alleles (0.00012%); highest among the groups gnomAD compares: Non-Finnish European, 0.00017%; no homozygotes.

Submissions (4):

Labcorp Genetics (formerly Invitae), Labcorp
Classification: Uncertain significance for Desmin-related myofibrillar myopathy. Last evaluated: 2025-08-30. Review status: criteria provided, single submitter. Criteria: Invitae Variant Classification Sherloc (09022015). Collection method: clinical testing. Allele origin: germline.
Comment: This sequence change replaces arginine, which is basic and polar, with cysteine, which is neutral and slightly polar, at codon 16 of the DES protein (p.Arg16Cys). The frequency data for this variant in the population databases is considered unreliable, as metrics indicate poor data quality at this position in the gnomAD database. This missense change has been observed in individual(s) with autosomal dominant dilated cardiomyopathy and/or clinical features of autosomal recessive DES-related conditions (PMID: 16376610, 37240454). ClinVar contains an entry for this variant (Variation ID: 66413). Invitae Evidence Modeling of protein sequence and biophysical properties (such as structural, functional, and spatial information, amino acid conservation, physicochemical variation, residue mobility, and thermodynamic stability) indicates that this missense variant is expected to disrupt DES protein function with a positive predictive value of 95%. Experimental studies have shown that this missense change affects DES function (PMID: 19763525). In summary, the available evidence is currently insufficient to determine the role of this variant in disease. Therefore, it has been classified as a Variant of Uncertain Significance.

GeneDx
Classification: Likely pathogenic. Last evaluated: 2025-03-26. Review status: criteria provided, single submitter. Criteria: GeneDx Variant Classification Process June 2021. Collection method: clinical testing. Allele origin: germline. Affected: yes.
Comment: Functional studies show the R16C variant forms atypical fibrous structures, both in vitro and in cell systems, which is only partially rescued by co-expression with wild-type protein (PMID: 19763525); Not observed at significant frequency in large population cohorts (gnomAD); In silico analysis supports that this missense variant has a deleterious effect on protein structure/function; This variant is associated with the following publications: (PMID: 26807690, 27618136, 38727660, 37240454, 29997562, 19763525, 16376610)

Mitochondrial Research Group, Newcastle University
Classification: Pathogenic for Myofibrillar myopathy. Last evaluated: 2016-08-16. Review status: no assertion criteria provided. Collection method: clinical testing. Allele origin: unknown. Affected: yes. Observed: 1 variant allele. Not counted in ClinVar's aggregate classification.

Epithelial Biology;  Institute of Medical Biology, Singapore
No classification provided. Review status: no classification provided. Collection method: not provided. Allele origin: not provided. Not counted in ClinVar's aggregate classification.

Literature cited by the submitters: PubMed 16376610 (cited by Labcorp Genetics (formerly Invitae), Labcorp); PubMed 37240454 (cited by Labcorp Genetics (formerly Invitae), Labcorp); PubMed 19763525 (cited by Labcorp Genetics (formerly Invitae), Labcorp); DOI 10.1016/j.nmd.2016.08.004 (cited by Mitochondrial Research Group, Newcastle University).